The following is an entry in ClinVar:

ClinVar aggregate classification (germline): Uncertain significance (1 of 4 stars; one submission).

Conditions:
Inborn genetic diseases. Identifiers: MedGen C0950123, MeSH D030342.

gnomAD v4.1: 1 of 1,608,206 alleles (0.000062%); highest among the groups gnomAD compares: Non-Finnish European, 0.000085%; no homozygotes.

Submission:

Ambry Genetics
Classification: Uncertain significance for Inborn genetic diseases. Last evaluated: 2026-02-16. Review status: criteria provided, single submitter. Criteria: Ambry Variant Classification Scheme 2023. Collection method: clinical testing. Allele origin: germline.
Comment: The p.E1219K variant (also known as c.3655G>A), located in coding exon 33 of the RTEL1 gene, results from a G to A substitution at nucleotide position 3655. The glutamic acid at codon 1219 is replaced by lysine, an amino acid with similar properties. This amino acid position is conserved. In addition, this alteration is predicted to be tolerated by in silico analysis. Based on the available evidence, the clinical significance of this variant remains unclear.

NM_001283009.2(RTEL1):c.3655G>A (p.Glu1219Lys)

Genes: RTEL1 (regulator of telomere elongation helicase 1; plus strand), RTEL1-TNFRSF6B (RTEL1-TNFRSF6B readthrough (NMD candidate); plus strand). Cytogenetic location: 20q13.33.
Variant type: single nucleotide variant.
Coding change: c.3655G>A on transcript NM_001283009.2 (MANE Select); coding-DNA position 3655, G replaced by A.
Protein change: p.Glu1219Lys; replaces glutamic acid 1219 with lysine.
Molecular consequence: missense variant. On other transcripts: non-coding transcript variant (1), intron variant (3).
Genome position (GRCh38, 1-based): chr20:63,695,483, G>A. VCF-style: chr20-63695483-G-A. GRCh37 (hg19) VCF-style: chr20-62326836-G-A.
Other names: c.2983+3G>A (NM_001283010.1); c.3724+3G>A (NM_032957.5); c.3652+3G>A (NM_016434.4); short protein forms E1219K.
Identifiers: ClinVar variation 4825681 (VCV004825681.1).